The following is an entry in ClinVar:

ClinVar aggregate classification (germline): Likely benign (1 of 4 stars; one submission).

Allele frequency attached by ClinVar (database versions not stated): gnomAD 0.00038.

Submission:

CeGaT Center for Human Genetics Tuebingen
Classification: Likely benign. Last evaluated: 2022-05-01. Review status: criteria provided, single submitter. Criteria: CeGaT Center For Human Genetics Tuebingen Variant Classification Criteria Version 2. Collection method: clinical testing. Allele origin: germline. Affected: yes. Observed: 1 variant allele.
Comment: PRR21: BP4, BP7

NC_000002.12:g.240042635C>T

Gene: PRR21 (proline rich 21; minus strand). Cytogenetic location: 2q37.3.
Variant type: single nucleotide variant.
Genome position: GRCh38 VCF-style: chr2-240042635-C-T. GRCh37 (hg19) VCF-style: chr2-240982052-C-T.
Identifiers: ClinVar variation 2652088 (VCV002652088.24), dbSNP rs77588089, ClinGen allele CA2201614.
Genomic context (GRCh38, chr2:240,042,635, plus strand): 5'-TGGAGGAAGGGCCGTGGGTGAAGAGGCATGGACGAAGGGCCGTGGGTGAAGAGGCATGGA[C>T]GAAGGGCCGTGGGTGAAGAGGCATGGACGAAGGGCCGTGGGTGAAGAGGCATGGACGAAG-3'